The following is an entry in ClinVar:

NM_005141.5(FGB):c.1214T>G (p.Phe405Cys)

Gene: FGB (fibrinogen beta chain; plus strand). Cytogenetic location: 4q31.3.
Variant type: single nucleotide variant.
Coding change: c.1214T>G on transcript NM_005141.5 (MANE Select); coding-DNA position 1214, T replaced by G.
Protein change: p.Phe405Cys; replaces phenylalanine 405 with cysteine.
Molecular consequence: missense variant. On other transcripts: intron variant (1).
Genome position (GRCh38, 1-based): chr4:154,569,769, T>G. VCF-style: chr4-154569769-T-G. GRCh37 (hg19) VCF-style: chr4-155490921-T-G.
Other names: c.1037T>G, p.Phe346Cys (NM_001184741.1); c.1082T>G, p.Phe361Cys (NM_001382759.1); c.1214T>G, p.Phe405Cys (NM_001382760.1, NM_001382761.1, NM_001382765.1); c.914T>G, p.Phe305Cys (NM_001382762.1); c.1205T>G, p.Phe402Cys (NM_001382763.1); c.1081-4T>G (NM_001382764.1); short protein forms F305C, F346C, F361C, F402C, F405C.
Identifiers: ClinVar variation 3383189 (VCV003383189.2).

ClinVar aggregate classification (germline): Uncertain significance (1 of 4 stars; one submission).

Conditions:
Familial dysfibrinogenemia. Also called: Dysfibrinogenemia, congenital. Identifiers: Orphanet 335, Orphanet 98881, MedGen C0272350, MONDO:0014452, OMIM 616004.
Congenital afibrinogenemia. Identifiers: Orphanet 335, Orphanet 98880, MedGen C2584774, MONDO:0008737, OMIM 202400.

Submission:

Juno Genomics, Hangzhou Juno Genomics, Inc
Classification: Uncertain significance for Congenital afibrinogenemia; Familial dysfibrinogenemia. Review status: criteria provided, single submitter. Criteria: ACMG Guidelines, 2015. Collection method: clinical testing. Allele origin: germline. Affected: yes.
Comment: Absent from controls (or at extremely low frequency if recessive) in Genome Aggregation Database, Exome Sequencing Project, 1000 Genomes Project, or Exome Aggregation Consortium.;Multiple lines of computational evidence support a deleterious effect on the gene or gene product (conservation, evolutionary, splicing impact, etc).